The following is an entry in ClinVar:

NM_000256.3(MYBPC3):c.1120dup (p.Gln374fs)

Gene: MYBPC3 (myosin binding protein C3; minus strand). Cytogenetic location: 11p11.2.
Variant type: Duplication.
Coding change: c.1120dup on transcript NM_000256.3 (MANE Select); coding-DNA position 1120, one base duplicated (C; older notation c.1120dupC).
Protein change: p.Gln374fs; shifts the reading frame from glutamine 374.
Molecular consequence: frameshift variant.
Genome position (GRCh38, 1-based): chr11:47,343,595, G duplicated on the plus strand (C on the coding strand, the reverse complement: MYBPC3 is on the minus strand); the first of 2 consecutive G bases (chr11:47,343,595-47,343,596); duplicating either gives the same sequence. VCF-style (leftmost placement, unchanged base first): chr11-47343594-T-TG. GRCh37 (hg19) VCF-style: chr11-47365145-T-TG.
Other names: c.1120dup, p.Gln374fs (LRG_386t1); c.1120dupC (NM_000256.3); short protein forms Q374fs.
Identifiers: ClinVar variation 181116 (VCV000181116.4), dbSNP rs730880688, ClinGen allele CA009794.

ClinVar aggregate classification (germline): Pathogenic. Review status: criteria provided, multiple submitters, no conflicts (2 of 4 stars). 2 submissions from 2 submitters: Pathogenic (2). Last evaluated 2022-02-23.

Conditions:
Cardiovascular phenotype. Identifiers: MedGen CN230736.

Submissions (2):

Ambry Genetics
Classification: Pathogenic for Cardiovascular phenotype. Last evaluated: 2022-02-23. Review status: criteria provided, single submitter. Criteria: Ambry Variant Classification Scheme 2023. Collection method: clinical testing. Allele origin: germline.
Comment: The c.1120dupC pathogenic mutation, located in coding exon 13 of the MYBPC3 gene, results from a duplication of C at nucleotide position 1120, causing a translational frameshift with a predicted alternate stop codon (p.Q374Pfs*16). This variant is considered to be rare based on population cohorts in the Genome Aggregation Database (gnomAD). In addition, this alteration is expected to result in loss of function by premature protein truncation or nonsense-mediated mRNA decay. As such, this alteration is interpreted as a disease-causing mutation.

GeneDx
Classification: Pathogenic. Last evaluated: 2014-03-18. Review status: criteria provided, single submitter. Criteria: GeneDx Variant Classification (06012015). Collection method: clinical testing. Allele origin: germline. Affected: yes.
Comment: Although the c.1120dupC variant in the MYBPC3 gene has not been reported to our knowledge, this variant causes a shift in reading frame starting at codon Glutamine 374, changing it to a Proline, and creating a premature stop codon at position 16 of the new reading frame, denoted p.Gln374ProfsX16. This variant is expected to result in either an abnormal, truncated protein product or loss of protein from this allele through nonsense-mediated mRNA decay. Other frameshift variants in the MYBPC3 gene have been reported in association with cardiomyopathy. In summary, c.1120dupC in the MYBPC3 gene is interpreted as a pathogenic variant.